The following is an entry in ClinVar:

ClinVar aggregate classification (germline): Uncertain significance (1 of 4 stars; one submission).

Conditions:
Multiple endocrine neoplasia, type 2 (MEN2). Identifiers: Orphanet 653, MedGen C4048306, MONDO:0019003. Disease mechanism: gain of function.

Submission:

Labcorp Genetics (formerly Invitae), Labcorp
Classification: Uncertain significance for Multiple endocrine neoplasia, type 2. Last evaluated: 2022-04-28. Review status: criteria provided, single submitter. Criteria: Invitae Variant Classification Sherloc (09022015). Collection method: clinical testing. Allele origin: germline.
Comment: This sequence change replaces glycine, which is neutral and non-polar, with serine, which is neutral and polar, at codon 383 of the RET protein (p.Gly383Ser). This variant is not present in population databases (gnomAD no frequency). This variant has not been reported in the literature in individuals affected with RET-related conditions. Algorithms developed to predict the effect of missense changes on protein structure and function are either unavailable or do not agree on the potential impact of this missense change (SIFT: "Tolerated"; PolyPhen-2: "Probably Damaging"; Align-GVGD: "Class C0"). In summary, the available evidence is currently insufficient to determine the role of this variant in disease. Therefore, it has been classified as a Variant of Uncertain Significance.

NM_020975.6(RET):c.1147G>A (p.Gly383Ser)

Gene: RET (ret proto-oncogene; plus strand). Cytogenetic location: 10q11.21.
Variant type: single nucleotide variant.
Coding change: c.1147G>A on transcript NM_020975.6 (MANE Select); coding-DNA position 1147, G replaced by A.
Protein change: p.Gly383Ser; replaces glycine 383 with serine.
Molecular consequence: missense variant.
Genome position (GRCh38, 1-based): chr10:43,109,114, G>A. VCF-style: chr10-43109114-G-A. GRCh37 (hg19) VCF-style: chr10-43604562-G-A.
Other names: c.1147G>A, p.Gly383Ser (NM_000323.2, NM_001406743.1, NM_001406744.1 and 6 more transcripts); c.385G>A, p.Gly129Ser (NM_001355216.2); c.1018G>A, p.Gly340Ser (NM_001406761.1, NM_001406762.1, NM_001406764.1 and 1 more transcripts); c.859G>A, p.Gly287Ser (NM_001406766.1, NM_001406767.1, NM_001406770.1); c.709G>A, p.Gly237Ser (NM_001406771.1, NM_001406773.1); c.421G>A, p.Gly141Ser (NM_001406775.1, NM_001406776.1, NM_001406777.1 and 1 more transcripts); c.157G>A, p.Gly53Ser (NM_001406784.1); short protein forms G53S, G237S, G287S, G340S, G129S, G141S, G383S.
Identifiers: ClinVar variation 2131587 (VCV002131587.4), dbSNP rs2538424483, ClinGen allele CA376547475.